The following is an entry in ClinVar:

NM_199420.4(POLQ):c.3971T>C (p.Leu1324Pro)

Gene: POLQ (DNA polymerase theta; minus strand). Cytogenetic location: 3q13.33.
Variant type: single nucleotide variant.
Coding change: c.3971T>C on transcript NM_199420.4 (MANE Select); coding-DNA position 3971, T replaced by C.
Protein change: p.Leu1324Pro; replaces leucine 1324 with proline.
Molecular consequence: missense variant.
Genome position (GRCh38, 1-based): chr3:121,488,960, A>G on the plus strand (T>C on the coding strand, the complement: POLQ is on the minus strand). VCF-style: chr3-121488960-A-G. GRCh37 (hg19) VCF-style: chr3-121207807-A-G.
Other names: short protein forms L1324P.
Identifiers: ClinVar variation 3422366 (VCV003422366.1).

ClinVar aggregate classification (germline): Uncertain significance (1 of 4 stars; one submission).

Submission:

Ambry Genetics
Classification: Uncertain significance. Last evaluated: 2024-08-04. Review status: criteria provided, single submitter. Criteria: Ambry Variant Classification Scheme 2023. Collection method: clinical testing. Allele origin: germline.
Comment: The p.L1324P variant (also known as c.3971T>C), located in coding exon 16 of the POLQ gene, results from a T to C substitution at nucleotide position 3971. The leucine at codon 1324 is replaced by proline, an amino acid with similar properties. This amino acid position is conserved. In addition, this alteration is predicted to be deleterious by in silico analysis. Based on the available evidence, the clinical significance of this variant remains unclear.